The following is an entry in ClinVar:

ClinVar aggregate classification (germline): Likely benign. Review status: criteria provided, multiple submitters, no conflicts (2 of 4 stars). 2 submissions from 2 submitters: Likely benign (2). Last evaluated 2025-11-09.

Conditions:
Dextro-looped transposition of the great arteries. Also called: Dextrotransposition of the great arteries. Identifiers: Orphanet 860, MedGen C3531771, MONDO:0019443, OMIM 608808, HP:0031348.

Allele frequency attached by ClinVar (database versions not stated): gnomAD exomes 0.00001 and 0.00002; TOPMed 0.00001; gnomAD 0.00006; 1000 Genomes Project 30x 0.00016; 1000 Genomes Project 0.00020.
gnomAD v4.1: 61 of 1,614,172 alleles (0.0038%); highest among the groups gnomAD compares: African/African-American, 0.041%; 7 homozygotes.

Submissions (2):

Labcorp Genetics (formerly Invitae), Labcorp
Classification: Likely benign for Dextro-looped transposition of the great arteries. Last evaluated: 2025-11-09. Review status: criteria provided, single submitter. Criteria: Invitae Variant Classification Sherloc (09022015). Collection method: clinical testing. Allele origin: germline.

CeGaT Center for Human Genetics Tuebingen
Classification: Likely benign. Last evaluated: 2025-03-01. Review status: criteria provided, single submitter. Criteria: CeGaT Center For Human Genetics Tuebingen Variant Classification Criteria Version 2. Collection method: clinical testing. Allele origin: germline. Affected: yes. Observed: 1 variant allele.
Comment: MED13L: BP4, BP7

NM_015335.5(MED13L):c.4275A>G (p.Pro1425=)

Gene: MED13L (mediator complex subunit 13L; minus strand). Cytogenetic location: 12q24.21.
Variant type: single nucleotide variant.
Coding change: c.4275A>G on transcript NM_015335.5 (MANE Select); coding-DNA position 4275, A replaced by G.
Protein change: p.Pro1425=; no amino-acid change (proline 1425 retained).
Molecular consequence: synonymous variant.
Genome position (GRCh38, 1-based): chr12:115,986,329, T>C on the plus strand (A>G on the coding strand, the complement: MED13L is on the minus strand). VCF-style: chr12-115986329-T-C. GRCh37 (hg19) VCF-style: chr12-116424134-T-C.
Identifiers: ClinVar variation 723867 (VCV000723867.18), dbSNP rs112942800, ClinGen allele CA244143625.